The following is an entry in ClinVar:

NM_024408.4(NOTCH2):c.1373A>G (p.Asn458Ser)

Gene: NOTCH2 (notch receptor 2; minus strand). Cytogenetic location: 1p12.
Variant type: single nucleotide variant.
Coding change: c.1373A>G on transcript NM_024408.4 (MANE Select); coding-DNA position 1373, A replaced by G.
Protein change: p.Asn458Ser; replaces asparagine 458 with serine.
Molecular consequence: missense variant.
Genome position (GRCh38, 1-based): chr1:119,967,513, T>C on the plus strand (A>G on the coding strand, the complement: NOTCH2 is on the minus strand). VCF-style: chr1-119967513-T-C. GRCh37 (hg19) VCF-style: chr1-120510136-T-C.
Other names: c.1373A>G, p.Asn458Ser (NM_001200001.2); short protein forms N458S.
Identifiers: ClinVar variation 2985728 (VCV002985728.5), dbSNP rs2526304040, ClinGen allele CA341877899.

ClinVar aggregate classification (germline): Uncertain significance. Review status: criteria provided, multiple submitters, no conflicts (2 of 4 stars). 2 submissions from 2 submitters: Uncertain significance (2). Last evaluated 2023-07-28.

Conditions:
Alagille syndrome due to a NOTCH2 point mutation. Also called: Alagille syndrome 2. Identifiers: Orphanet 261629, Orphanet 52, MedGen C1857761, MONDO:0012439, OMIM 610205.
Hajdu-Cheney syndrome (HJCYS). Also called: SERPENTINE FIBULA-POLYCYSTIC KIDNEY SYNDROME; ACROOSTEOLYSIS WITH OSTEOPOROSIS AND CHANGES IN SKULL AND MANDIBLE; Acroosteolysis dominant type. Identifiers: Orphanet 955, MedGen C0917715, MONDO:0007057, OMIM 102500.

Allele frequency attached by ClinVar (database versions not stated): gnomAD exomes 0.00001.
gnomAD v4.1: 9 of 1,614,116 alleles (0.00056%); highest among the groups gnomAD compares: Non-Finnish European, 0.00076%; no homozygotes.

Submissions (2):

Labcorp Genetics (formerly Invitae), Labcorp
Classification: Uncertain significance for Hajdu-Cheney syndrome. Last evaluated: 2023-07-28. Review status: criteria provided, single submitter. Criteria: Invitae Variant Classification Sherloc (09022015). Collection method: clinical testing. Allele origin: germline.
Comment: In summary, the available evidence is currently insufficient to determine the role of this variant in disease. Therefore, it has been classified as a Variant of Uncertain Significance. An algorithm developed to predict the effect of missense changes on protein structure and function (PolyPhen-2) suggests that this variant is likely to be disruptive. This variant has not been reported in the literature in individuals affected with NOTCH2-related conditions. This variant is not present in population databases (gnomAD no frequency). This sequence change replaces asparagine, which is neutral and polar, with serine, which is neutral and polar, at codon 458 of the NOTCH2 protein (p.Asn458Ser).

Juno Genomics, Hangzhou Juno Genomics, Inc
Classification: Uncertain significance for Alagille syndrome due to a NOTCH2 point mutation; Hajdu-Cheney syndrome. Review status: criteria provided, single submitter. Criteria: ACMG Guidelines, 2015. Collection method: clinical testing. Allele origin: germline.
Comment: Absent from controls (or at extremely low frequency if recessive) in Genome Aggregation Database.;Multiple lines of computational evidence support a deleterious effect on the gene or gene product.